The following is an entry in ClinVar:

NM_015102.5(NPHP4):c.673+8C>T

Gene: NPHP4 (nephrocystin 4; minus strand). Cytogenetic location: 1p36.31.
Variant type: single nucleotide variant.
Coding change: c.673+8C>T on transcript NM_015102.5 (MANE Select); 8 bases into the intron after coding-DNA position 673, C replaced by T.
Molecular consequence: intron variant.
Genome position (GRCh38, 1-based): chr1:5,961,786, G>A on the plus strand (C>T on the coding strand, the complement: NPHP4 is on the minus strand). VCF-style: chr1-5961786-G-A. GRCh37 (hg19) VCF-style: chr1-6021846-G-A.
Other names: c.-694+8C>T (NM_001291594.2); c.-557+8C>T (NM_001291593.2); c.673+8C>T (NM_015102.4).
Identifiers: ClinVar variation 1621922 (VCV001621922.9), dbSNP rs747456645, ClinGen allele CA554776.

ClinVar aggregate classification (germline): Likely benign. Review status: criteria provided, multiple submitters, no conflicts (2 of 4 stars). 2 submissions from 2 submitters: Likely benign (2). Last evaluated 2025-03-08.

Conditions:
NPHP4-related disorder. Also called: NPHP4-related disorders; NPHP4-related condition. Identifiers: MedGen CN239384.
Nephronophthisis. Also called: Juvenile Nephronophthisis. Identifiers: Orphanet 655, MedGen C0687120, MONDO:0019005, HP:0000090.

Allele frequency attached by ClinVar (database versions not stated): ExAC 0.00001; gnomAD exomes 0.00001; gnomAD 0.00002; TOPMed 0.00002.
gnomAD v4.1: 11 of 1,608,304 alleles (0.00068%); highest among the groups gnomAD compares: African/African-American, 0.008%; no homozygotes.

Submissions (2):

PreventionGenetics, part of Exact Sciences
Classification: Likely benign for NPHP4-related condition. Last evaluated: 2025-03-08. Review status: criteria provided, single submitter. Criteria: ACMG Guidelines, 2015. Collection method: clinical testing. Allele origin: germline.
Comment: This variant is classified as likely benign based on ACMG/AMP sequence variant interpretation guidelines (Richards et al. 2015 PMID: 25741868, with internal and published modifications).

Labcorp Genetics (formerly Invitae), Labcorp
Classification: Likely benign for Nephronophthisis. Last evaluated: 2024-08-13. Review status: criteria provided, single submitter. Criteria: Invitae Variant Classification Sherloc (09022015). Collection method: clinical testing. Allele origin: germline.